The following is an entry in ClinVar:

ClinVar aggregate classification (germline): Uncertain significance (1 of 4 stars; one submission).

Submission:

Labcorp Genetics (formerly Invitae), Labcorp
Classification: Uncertain significance. Last evaluated: 2022-10-24. Review status: criteria provided, single submitter. Criteria: Invitae Variant Classification Sherloc (09022015). Collection method: clinical testing. Allele origin: germline.
Comment: This sequence change replaces valine, which is neutral and non-polar, with alanine, which is neutral and non-polar, at codon 130 of the USH1C protein (p.Val130Ala). This variant is not present in population databases (gnomAD no frequency). This variant has not been reported in the literature in individuals affected with USH1C-related conditions. ClinVar contains an entry for this variant (Variation ID: 1516360). Algorithms developed to predict the effect of missense changes on protein structure and function are either unavailable or do not agree on the potential impact of this missense change (SIFT: "Deleterious"; PolyPhen-2: "Benign"; Align-GVGD: "Class C25"). In summary, the available evidence is currently insufficient to determine the role of this variant in disease. Therefore, it has been classified as a Variant of Uncertain Significance.

NM_153676.4(USH1C):c.389T>C (p.Val130Ala)

Gene: USH1C (USH1 protein network component harmonin; minus strand). Cytogenetic location: 11p15.1.
Variant type: single nucleotide variant.
Coding change: c.389T>C on transcript NM_153676.4 (MANE Select); coding-DNA position 389, T replaced by C.
Protein change: p.Val130Ala; replaces valine 130 with alanine.
Molecular consequence: missense variant. On other transcripts: non-coding transcript variant (1).
Genome position (GRCh38, 1-based): chr11:17,527,330, A>G on the plus strand (T>C on the coding strand, the complement: USH1C is on the minus strand). VCF-style: chr11-17527330-A-G. GRCh37 (hg19) VCF-style: chr11-17548877-A-G.
Other names: c.389T>C, p.Val130Ala (NM_001297764.2, NM_005709.4); short protein forms V130A.
Identifiers: ClinVar variation 1516360 (VCV001516360.6), dbSNP rs1421385034, ClinGen allele CA379795359.